The following is an entry in ClinVar:

ClinVar aggregate classification (germline): Likely benign (1 of 4 stars; one submission).

Conditions:
Familial cancer of breast. Also called: hereditary breast carcinoma; BREAST CANCER, FAMILIAL; Hereditary breast cancer. Identifiers: Orphanet 227535, MedGen C0346153, MONDO:0016419, OMIM 114480. Disease mechanism: loss of function.

Submission:

Myriad Genetics, Inc.
Classification: Likely benign for Familial cancer of breast. Last evaluated: 2024-06-06. Review status: criteria provided, single submitter. Criteria: Myriad Autosomal Dominant, Autosomal Recessive and X-Linked Classification Criteria (2023). Collection method: clinical testing. Allele origin: unknown.
Comment: This variant is considered likely benign. This variant is intronic and is not expected to impact mRNA splicing.

NM_000051.4(ATM):c.6453-17T>C

Genes: ATM (ATM serine/threonine kinase; plus strand), C11orf65 (chromosome 11 open reading frame 65; minus strand). Cytogenetic location: 11q22.3.
Variant type: single nucleotide variant.
Coding change: c.6453-17T>C on transcript NM_000051.4 (MANE Select); 17 bases into the intron before coding-DNA position 6453, T replaced by C.
Molecular consequence: intron variant.
Genome position (GRCh38, 1-based): chr11:108,321,284, T>C. VCF-style: chr11-108321284-T-C. GRCh37 (hg19) VCF-style: chr11-108192011-T-C.
Other names: c.6453-17T>C (NM_001351834.2); c.641-12213A>G (NM_001330368.2); c.*39-12213A>G (NM_001351110.2).
Identifiers: ClinVar variation 3253785 (VCV003253785.1), dbSNP rs1057522251.